The following is an entry in ClinVar:

ClinVar aggregate classification (germline): Pathogenic. Review status: criteria provided, single submitter (1 of 4 stars). 2 submissions from 2 submitters: Pathogenic (1). 1 of the submissions does not count toward it. Last evaluated 2025-09-15.

Conditions:
Pulmonary arterial hypertension. Identifiers: Orphanet 182090, MedGen C2973725, MeSH D000081029, MONDO:0015924, HP:0002092.
Primary pulmonary hypertension. Also called: Idiopathic pulmonary hypertension. Identifiers: MedGen C0152171.

Submissions (2):

Labcorp Genetics (formerly Invitae), Labcorp
Classification: Pathogenic for Primary pulmonary hypertension. Last evaluated: 2025-09-15. Review status: criteria provided, single submitter. Criteria: Invitae Variant Classification Sherloc (09022015). Collection method: clinical testing. Allele origin: germline.
Comment: This sequence change affects an acceptor splice site in intron 9 of the BMPR2 gene. RNA analysis indicates that disruption of this splice site induces altered splicing and may result in an absent or altered protein product. This variant is not present in population databases (gnomAD no frequency). Disruption of this splice site has been observed in individuals with pulmonary arterial hypertension (PMID: 28480048, 30578397). This variant is also known as IVS9-2A>G. ClinVar contains an entry for this variant (Variation ID: 812830). Studies have shown that disruption of this splice site results in skipping of exon 10, and produces a non-functional protein and/or introduces a premature termination codon (PMID: 28480048). For these reasons, this variant has been classified as Pathogenic.

NIHR Bioresource Rare Diseases, University of Cambridge
Classification: Likely pathogenic for Pulmonary arterial hypertension. Review status: no assertion criteria provided. Collection method: research. Allele origin: unknown. Affected: yes. Observed: 1 variant allele. Not counted in ClinVar's aggregate classification.

Literature cited by the submitters: PubMed 28480048 (cited by Labcorp Genetics (formerly Invitae), Labcorp); PubMed 30578397 (cited by Labcorp Genetics (formerly Invitae), Labcorp); PubMed 32581362 (cited by NIHR Bioresource Rare Diseases, University of Cambridge).

NM_001204.7(BMPR2):c.1277-2A>G

Gene: BMPR2 (bone morphogenetic protein receptor type 2; plus strand). Cytogenetic location: 2q33.2.
Variant type: single nucleotide variant.
Coding change: c.1277-2A>G on transcript NM_001204.7 (MANE Select); the canonical splice acceptor site of the intron before coding-DNA position 1277, A replaced by G.
Molecular consequence: splice acceptor variant.
Genome position (GRCh38, 1-based): chr2:202,542,309, A>G. VCF-style: chr2-202542309-A-G. GRCh37 (hg19) VCF-style: chr2-203407032-A-G.
Identifiers: ClinVar variation 812830 (VCV000812830.7), dbSNP rs1574499954, ClinGen allele CA350342709.
Genomic context (GRCh38, chr2:202,542,309, plus strand): 5'-TTATTCTATCATTTATGATAGTTAGAAATTTTATTCTGTCATTCTTTTCTACAAATCCAC[A>G]GGGGAATCCGTACCAGAGTACCAGATGGCTTTTCAGACAGAGGTTGGAAACCATCCCACT-3'